The following is an entry in ClinVar:

NM_000493.4(COL10A1):c.*790T>G

Genes: COL10A1 (collagen type X alpha 1 chain; minus strand), NT5DC1 (5'-nucleotidase domain containing 1; plus strand). Cytogenetic location: 6q22.1.
Variant type: single nucleotide variant.
Coding change: c.*790T>G on transcript NM_000493.4 (MANE Select); 790 bases downstream of the stop codon, T replaced by G.
Molecular consequence: 3 prime UTR variant. On other transcripts: intron variant (1).
Genome position (GRCh38, 1-based): chr6:116,119,283, A>C on the plus strand (T>G on the coding strand, the complement: COL10A1 is on the minus strand). VCF-style: chr6-116119283-A-C. GRCh37 (hg19) VCF-style: chr6-116440446-A-C.
Other names: c.*790T>G (NM_001424106.1, NM_001424107.1); c.529+1338A>C (NM_152729.3).
Identifiers: ClinVar variation 355072 (VCV000355072.5), dbSNP rs190088189, ClinGen allele CA10625711.

ClinVar aggregate classification (germline): Benign (1 of 4 stars; one submission).

Conditions:
Metaphyseal chondrodysplasia, Schmid type (MCDS). Also called: SPONDYLOMETAPHYSEAL DYSPLASIA, JAPANESE TYPE. Identifiers: Orphanet 174, MedGen C0265289, MONDO:0007983, OMIM 156500.

Allele frequency attached by ClinVar (database versions not stated): gnomAD 0.00291 and 0.00314; TOPMed 0.00306; 1000 Genomes Project 0.00200; 1000 Genomes Project 30x 0.00219.
gnomAD v4.1: 437 of 152,762 alleles (0.29%); highest among the groups gnomAD compares: African/African-American, 1%; 3 homozygotes.

Submission:

Illumina Laboratory Services, Illumina
Classification: Benign for Metaphyseal chondrodysplasia, Schmid type. Last evaluated: 2018-01-13. Review status: criteria provided, single submitter. Criteria: ICSL Variant Classification Criteria 13 December 2019. Collection method: clinical testing. Allele origin: germline.
Comment: This variant was observed in the ICSL laboratory as part of a predisposition screen in an ostensibly healthy population. It had not been previously curated by ICSL or reported in the Human Gene Mutation Database (HGMD: prior to June 1st, 2018), and was therefore a candidate for classification through an automated scoring system. Utilizing variant allele frequency, disease prevalence and penetrance estimates, and inheritance mode, an automated score was calculated to assess if this variant is too frequent to cause the disease. Based on the score and internal cut-off values, a variant classified as benign is not then subjected to further curation. The score for this variant resulted in a classification of benign for this disease.